The following is an entry in ClinVar:

ClinVar aggregate classification (germline): Uncertain significance (1 of 4 stars; one submission).

Conditions:
Epilepsy, familial focal, with variable foci 3 (FFEVF3). Identifiers: MedGen C4310708, MONDO:0014925, OMIM 617118.

Submission:

Labcorp Genetics (formerly Invitae), Labcorp
Classification: Uncertain significance for Epilepsy, familial focal, with variable foci 3. Last evaluated: 2023-11-27. Review status: criteria provided, single submitter. Criteria: Invitae Variant Classification Sherloc (09022015). Collection method: clinical testing. Allele origin: unknown.
Comment: A copy number gain of the genomic region encompassing the full coding sequence of the NPRL3 gene has been identified. The boundaries of this event are unknown as they extend beyond the assayed region for this gene and therefore may encompass additional genes. As the precise location of this event is unknown, it may be in tandem or it may be located elsewhere in the genome. This variant has not been reported in the literature in individuals affected with NPRL3-related conditions. In summary, the available evidence is currently insufficient to determine the role of this variant in disease. Therefore, it has been classified as a Variant of Uncertain Significance.

NC_000016.9:g.(?_136704)_(188266_?)dup

Gene: NPRL3 (NPR3 like, GATOR1 complex subunit; minus strand). Cytogenetic location: 16p13.3.
Variant type: Duplication.
Identifiers: ClinVar variation 3243556 (VCV003243556.1).